The following is an entry in ClinVar:

ClinVar aggregate classification (germline): Likely benign. Review status: criteria provided, multiple submitters, no conflicts (2 of 4 stars). 2 submissions from 2 submitters: Likely benign (2). Last evaluated 2026-02-01.

Conditions:
Benign neonatal seizures. Also called: Benign familial neonatal seizures; Convulsions benign familial neonatal dominant form; Autosomal dominant form of benign neonatal seizures; Benign neonatal familial convulsions; Benign familial neonatal epilepsy. Identifiers: Orphanet 1949, MedGen C0220669, MONDO:0016027.

Allele frequency attached by ClinVar (database versions not stated): gnomAD 0.00001; ExAC 0.00002; TOPMed 0.00002; gnomAD exomes 0.00003.
gnomAD v4.1: 51 of 1,614,116 alleles (0.0032%); highest among the groups gnomAD compares: Non-Finnish European, 0.0035%; no homozygotes.

Submissions (2):

CeGaT Center for Human Genetics Tuebingen
Classification: Likely benign. Last evaluated: 2026-02-01. Review status: criteria provided, single submitter. Criteria: CeGaT Center For Human Genetics Tuebingen Variant Classification Criteria Version 2. Collection method: clinical testing. Allele origin: germline. Affected: yes. Observed: 1 variant allele.
Comment: KCNQ3: BP4

Labcorp Genetics (formerly Invitae), Labcorp
Classification: Likely benign for Benign neonatal seizures. Last evaluated: 2024-10-24. Review status: criteria provided, single submitter. Criteria: Invitae Variant Classification Sherloc (09022015). Collection method: clinical testing. Allele origin: germline.

NM_004519.4(KCNQ3):c.2343C>T (p.Ser781=)

Gene: KCNQ3 (potassium voltage-gated channel subfamily Q member 3; minus strand). Cytogenetic location: 8q24.22.
Variant type: single nucleotide variant.
Coding change: c.2343C>T on transcript NM_004519.4 (MANE Select); coding-DNA position 2343, C replaced by T.
Protein change: p.Ser781=; no amino-acid change (serine 781 retained).
Molecular consequence: synonymous variant.
Genome position (GRCh38, 1-based): chr8:132,129,538, G>A on the plus strand (C>T on the coding strand, the complement: KCNQ3 is on the minus strand). VCF-style: chr8-132129538-G-A. GRCh37 (hg19) VCF-style: chr8-133141785-G-A.
Other names: c.1983C>T, p.Ser661= (NM_001204824.2).
Identifiers: ClinVar variation 538560 (VCV000538560.12), dbSNP rs200772304, ClinGen allele CA4880457.